The following is an entry in ClinVar:

ClinVar aggregate classification (germline): Uncertain significance (1 of 4 stars; one submission).

Conditions:
FGFR2-related craniosynostosis. Identifiers: MedGen CN231480.

Submission:

Labcorp Genetics (formerly Invitae), Labcorp
Classification: Uncertain significance for FGFR2-related craniosynostosis. Last evaluated: 2024-10-31. Review status: criteria provided, single submitter. Criteria: Invitae Variant Classification Sherloc (09022015). Collection method: clinical testing. Allele origin: germline.
Comment: This sequence change creates a premature translational stop signal (p.Gln811*) in the FGFR2 gene. While this is not anticipated to result in nonsense mediated decay, it is expected to disrupt the last 11 amino acid(s) of the FGFR2 protein. This variant is not present in population databases (gnomAD no frequency). This variant has not been reported in the literature in individuals affected with FGFR2-related conditions. In summary, the available evidence is currently insufficient to determine the role of this variant in disease. Therefore, it has been classified as a Variant of Uncertain Significance.

NM_000141.5(FGFR2):c.2431C>T (p.Gln811Ter)

Gene: FGFR2 (fibroblast growth factor receptor 2; minus strand). Cytogenetic location: 10q26.13.
Variant type: single nucleotide variant.
Coding change: c.2431C>T on transcript NM_000141.5 (MANE Select); coding-DNA position 2431, C replaced by T.
Protein change: p.Gln811Ter; replaces glutamine 811 with a stop codon.
Molecular consequence: nonsense. On other transcripts: non-coding transcript variant (1), intron variant (1).
Genome position (GRCh38, 1-based): chr10:121,479,892, G>A on the plus strand (C>T on the coding strand, the complement: FGFR2 is on the minus strand). VCF-style: chr10-121479892-G-A. GRCh37 (hg19) VCF-style: chr10-123239406-G-A.
Other names: c.2095C>T, p.Gln699Ter (NM_001144914.1); c.2086C>T, p.Gln696Ter (NM_001144916.2); c.2083C>T, p.Gln695Ter (NM_001144917.2); c.2080C>T, p.Gln694Ter (NM_001144918.2); c.1747C>T, p.Gln583Ter (NM_001320654.2); c.2425C>T, p.Gln809Ter (NM_001320658.2); c.2434C>T, p.Gln812Ter (NM_022970.4); c.2164C>T, p.Gln722Ter (NM_023029.3); and 1 more; short protein forms Q583*, Q694*, Q695*, Q696*, Q811*, Q722*, Q812*, Q699*.
Identifiers: ClinVar variation 3694024 (VCV003694024.2).